The following is an entry in ClinVar:

NM_001009944.3(PKD1):c.11441dup (p.Tyr3814Ter)

Genes: PKD1-AS1 (PKD1 antisense RNA 1; plus strand), PKD1 (polycystin 1, transient receptor potential channel interacting; minus strand). Cytogenetic location: 16p13.3.
Variant type: Duplication.
Coding change: c.11441dup on transcript NM_001009944.3 (MANE Select); coding-DNA position 11441, one base duplicated (A; older notation c.11441dupA).
Protein change: p.Tyr3814Ter; replaces tyrosine 3814 with a stop codon.
Molecular consequence: nonsense.
Genome position (GRCh38, 1-based): chr16:2,091,877, T duplicated on the plus strand (A on the coding strand, the reverse complement: PKD1 is on the minus strand). VCF-style (leftmost placement, unchanged base first): chr16-2091876-A-AT. GRCh37 (hg19) VCF-style: chr16-2141877-A-AT.
Other names: c.11438dup, p.Tyr3813Ter (NM_000296.4); short protein forms Y3813*, Y3814*.
Identifiers: ClinVar variation 4531301 (VCV004531301.1).
Genomic context (GRCh38, chr16:2,091,876, plus strand): 5'-CAGCCGGTCGCGGCTCTCCTCCAGGCTCAGGCCCAGCTCCTGCACGTAGCCCCCGCTGTC[A>AT]TACACGGCACAGGAGCCCCAGGACCATGCCCTGCCGGAGAGGGGTGGCGTGGGTGCCGCA-3'

ClinVar aggregate classification (germline): Pathogenic (1 of 4 stars; one submission).

Conditions:
Polycystic kidney disease, adult type (PKD1). Also called: Polycystic Kidney, Autosomal Dominant; POLYCYSTIC KIDNEY DISEASE, ADULT, TYPE I; Polycystic Kidney Disease 1, Autosomal Dominant; Polycystic kidney disease 1; Polycystic kidney disease 1, severe; POLYCYSTIC KIDNEY DISEASE 1 WITH OR WITHOUT POLYCYSTIC LIVER DISEASE. Identifiers: MedGen C3149841, MONDO:0008263, OMIM 173900.

Submission:

Juno Genomics, Hangzhou Juno Genomics, Inc
Classification: Pathogenic for Polycystic kidney disease, adult type. Review status: criteria provided, single submitter. Criteria: ACMG Guidelines, 2015. Collection method: clinical testing. Allele origin: germline. Affected: yes.
Comment: Absent from controls (or at extremely low frequency if recessive) in Genome Aggregation Database, Exome Sequencing Project, 1000 Genomes Project, or Exome Aggregation Consortium.;Null variant in a gene where loss of function (LOF) is a known mechanism of disease.;Patient's phenotype or family history is highly specific for a disease with a single genetic etiology.